The following is an entry in ClinVar:

ClinVar aggregate classification (germline): Benign/Likely benign. Review status: criteria provided, multiple submitters, no conflicts (2 of 4 stars). 6 submissions from 6 submitters: Benign (2); Likely benign (4). Last evaluated 2026-09-01.

Conditions:
Inborn genetic diseases. Identifiers: MedGen C0950123, MeSH D030342.

Allele frequency attached by ClinVar (database versions not stated): gnomAD exomes 0.00037 and 0.00084; ExAC 0.00099; 1000 Genomes Project 30x 0.00265; 1000 Genomes Project 0.00280; gnomAD 0.00338 and 0.00371; TOPMed 0.00410; ESP Exome Variant Server 0.00462.
gnomAD v4.1: 1,078 of 1,613,998 alleles (0.067%); highest among the groups gnomAD compares: African/African-American, 1.2%; 5 homozygotes.

Submissions (6):

CeGaT Center for Human Genetics Tuebingen
Classification: Likely benign. Last evaluated: 2026-09-01. Review status: criteria provided, single submitter. Criteria: CeGaT Center For Human Genetics Tuebingen Variant Classification Criteria Version 2. Collection method: clinical testing. Allele origin: germline. Affected: yes. Observed: 3 variant alleles.
Comment: CHD8: PP2, BP4, BS1

Labcorp Genetics (formerly Invitae), Labcorp
Classification: Benign. Last evaluated: 2026-01-28. Review status: criteria provided, single submitter. Criteria: Invitae Variant Classification Sherloc (09022015). Collection method: clinical testing. Allele origin: germline.

Blueprint Genetics
Classification: Likely benign. Last evaluated: 2024-06-26. Review status: criteria provided, single submitter. Criteria: ACMG Guidelines, 2015. Collection method: clinical testing. Allele origin: germline.

GeneDx
Classification: Likely benign. Last evaluated: 2021-03-04. Review status: criteria provided, single submitter. Criteria: GeneDx Variant Classification Process June 2021. Collection method: clinical testing. Allele origin: germline. Affected: yes.

Ambry Genetics
Classification: Benign for Inborn genetic diseases. Last evaluated: 2016-11-04. Review status: criteria provided, single submitter. Criteria: Ambry Variant Classification Scheme 2023. Collection method: clinical testing. Allele origin: germline.

Breakthrough Genomics
Classification: Likely benign. Review status: criteria provided, single submitter. Criteria: ACMG Guidelines, 2015. Collection method: not provided. Allele origin: germline. Inheritance: Autosomal dominant inheritance. Affected: yes.

NM_001170629.2(CHD8):c.1822A>G (p.Ile608Val)

Gene: CHD8 (chromodomain helicase DNA binding protein 8; minus strand). Cytogenetic location: 14q11.2.
Variant type: single nucleotide variant.
Coding change: c.1822A>G on transcript NM_001170629.2 (MANE Select); coding-DNA position 1822, A replaced by G.
Protein change: p.Ile608Val; replaces isoleucine 608 with valine.
Molecular consequence: missense variant.
Genome position (GRCh38, 1-based): chr14:21,415,802, T>C on the plus strand (A>G on the coding strand, the complement: CHD8 is on the minus strand). VCF-style: chr14-21415802-T-C. GRCh37 (hg19) VCF-style: chr14-21883961-T-C.
Other names: c.985A>G, p.Ile329Val (NM_020920.4); short protein forms I329V, I608V.
Identifiers: ClinVar variation 588415 (VCV000588415.44), dbSNP rs200056646, ClinGen allele CA7091705.